The following is an entry in ClinVar:

ClinVar aggregate classification (germline): Likely pathogenic (1 of 4 stars; one submission).

Conditions:
Hereditary spastic paraplegia 11. Also called: Spastic Paraplegia 11; Spastic paraplegia, mental retardation and thin corpus callosum; SPASTIC PARAPLEGIA, AUTOSOMAL RECESSIVE, COMPLICATED, WITH THIN CORPUS CALLOSUM; SPASTIC PARAPLEGIA, AUTOSOMAL RECESSIVE, WITH MENTAL IMPAIRMENT AND THIN CORPUS CALLOSUM; Nakamura Osame syndrome; Autosomal recessive hereditary spastic paraplegia, mental impairment, and thin corpus callosum. Identifiers: Orphanet 2822, MedGen C1858479, MONDO:0011445, OMIM 604360.

Allele frequency attached by ClinVar (database versions not stated): TOPMed below 0.00001; gnomAD 0.00001.
gnomAD v4.1: 1 of 1,613,492 alleles (0.000062%); highest among the groups gnomAD compares: Admixed American, 0.0017%; no homozygotes.

Submission:

Labcorp Genetics (formerly Invitae), Labcorp
Classification: Likely pathogenic for Hereditary spastic paraplegia 11. Last evaluated: 2022-11-29. Review status: criteria provided, single submitter. Criteria: Invitae Variant Classification Sherloc (09022015). Collection method: clinical testing. Allele origin: germline.
Comment: This sequence change affects an acceptor splice site in intron 20 of the SPG11 gene. It is expected to disrupt RNA splicing. Variants that disrupt the donor or acceptor splice site typically lead to a loss of protein function (PMID: 16199547), and loss-of-function variants in SPG11 are known to be pathogenic (PMID: 19105190, 20110243, 22154821, 26556829). This variant is not present in population databases (gnomAD no frequency). In summary, the currently available evidence indicates that the variant is pathogenic, but additional data are needed to prove that conclusively. Therefore, this variant has been classified as Likely Pathogenic. Algorithms developed to predict the effect of sequence changes on RNA splicing suggest that this variant may disrupt the consensus splice site. This variant has not been reported in the literature in individuals affected with SPG11-related conditions.

Literature cited by the submitters: PubMed 16199547; PubMed 19105190; PubMed 20110243; PubMed 22154821; PubMed 26556829.

NM_025137.4(SPG11):c.3521-2A>G

Gene: SPG11 (SPG11 vesicle trafficking associated, spatacsin; minus strand). Cytogenetic location: 15q21.1.
Variant type: single nucleotide variant.
Coding change: c.3521-2A>G on transcript NM_025137.4 (MANE Select); the canonical splice acceptor site of the intron before coding-DNA position 3521, A replaced by G.
Molecular consequence: splice acceptor variant.
Genome position (GRCh38, 1-based): chr15:44,600,634, T>C on the plus strand (A>G on the coding strand, the complement: SPG11 is on the minus strand). VCF-style: chr15-44600634-T-C. GRCh37 (hg19) VCF-style: chr15-44892832-T-C.
Other names: c.3521-2A>G (NM_001411132.1, NM_001160227.2).
Identifiers: ClinVar variation 2791086 (VCV002791086.3), dbSNP rs2083161760, ClinGen allele CA392231378.